The following is an entry in ClinVar:

ClinVar aggregate classification (germline): Uncertain significance (1 of 4 stars; one submission).

gnomAD v4.1: 9 of 1,611,154 alleles (0.00056%); highest among the groups gnomAD compares: Non-Finnish European, 0.00076%; no homozygotes.

Submission:

Labcorp Genetics (formerly Invitae), Labcorp
Classification: Uncertain significance. Last evaluated: 2024-03-02. Review status: criteria provided, single submitter. Criteria: Invitae Variant Classification Sherloc (09022015). Collection method: clinical testing. Allele origin: germline.
Comment: This sequence change falls in intron 22 of the HMCN1 gene. It does not directly change the encoded amino acid sequence of the HMCN1 protein. This variant is not present in population databases (gnomAD no frequency). This variant has not been reported in the literature in individuals affected with HMCN1-related conditions. Algorithms developed to predict the effect of sequence changes on RNA splicing suggest that this variant may disrupt the consensus splice site. In summary, the available evidence is currently insufficient to determine the role of this variant in disease. Therefore, it has been classified as a Variant of Uncertain Significance.

NM_031935.3(HMCN1):c.3378-10T>C

Gene: HMCN1 (hemicentin 1; plus strand). Cytogenetic location: 1q31.1.
Variant type: single nucleotide variant.
Coding change: c.3378-10T>C on transcript NM_031935.3 (MANE Select); 10 bases into the intron before coding-DNA position 3378, T replaced by C.
Molecular consequence: intron variant.
Genome position (GRCh38, 1-based): chr1:185,993,172, T>C. VCF-style: chr1-185993172-T-C. GRCh37 (hg19) VCF-style: chr1-185962304-T-C.
Identifiers: ClinVar variation 3607023 (VCV003607023.2).